The following is an entry in ClinVar:

NM_001165963.4(SCN1A):c.2363A>G (p.Glu788Gly)

Gene: SCN1A (sodium voltage-gated channel alpha subunit 1; minus strand). Cytogenetic location: 2q24.3.
Variant type: single nucleotide variant.
Coding change: c.2363A>G on transcript NM_001165963.4 (MANE Select); coding-DNA position 2363, A replaced by G.
Protein change: p.Glu788Gly; replaces glutamic acid 788 with glycine.
Molecular consequence: missense variant. On other transcripts: 5 prime UTR variant (1), non-coding transcript variant (1).
Genome position (GRCh38, 1-based): chr2:166,041,283, T>C on the plus strand (A>G on the coding strand, the complement: SCN1A is on the minus strand). VCF-style: chr2-166041283-T-C. GRCh37 (hg19) VCF-style: chr2-166897793-T-C.
Other names: c.2279A>G, p.Glu760Gly (NM_001165964.3, NM_001353957.2, NM_001353958.2); c.2363A>G, p.Glu788Gly (NM_001202435.3, NM_001353948.2); c.2330A>G, p.Glu777Gly (NM_001353949.2, NM_001353950.2, NM_001353951.2 and 2 more transcripts); c.2327A>G, p.Glu776Gly (NM_001353954.2, NM_001353955.2); c.2276A>G, p.Glu759Gly (NM_001353960.2); c.-96A>G (NM_001353961.2); short protein forms E759G, E760G, E776G, E777G, E788G.
Identifiers: ClinVar variation 4800283 (VCV004800283.1).

ClinVar aggregate classification (germline): Likely pathogenic (1 of 4 stars; one submission).

Conditions:
Early-infantile DEE. Also called: Early infantile epileptic encephalopathy with suppression bursts; Early infantile epileptic encephalopathy; Ohtahara syndrome. Identifiers: Orphanet 1934, MedGen C0393706, MONDO:0800491.

Submission:

Labcorp Genetics (formerly Invitae), Labcorp
Classification: Likely pathogenic for Early-infantile DEE. Last evaluated: 2025-03-11. Review status: criteria provided, single submitter. Criteria: Invitae Variant Classification Sherloc (09022015). Collection method: clinical testing. Allele origin: germline.
Comment: This sequence change replaces glutamic acid, which is acidic and polar, with glycine, which is neutral and non-polar, at codon 788 of the SCN1A protein (p.Glu788Gly). This variant is not present in population databases (gnomAD no frequency). This variant has not been reported in the literature in individuals affected with SCN1A-related conditions. Invitae Evidence Modeling of protein sequence and biophysical properties (such as structural, functional, and spatial information, amino acid conservation, physicochemical variation, residue mobility, and thermodynamic stability) indicates that this missense variant is expected to disrupt SCN1A protein function with a positive predictive value of 95%. This variant disrupts the p.Glu788 amino acid residue in SCN1A. Other variant(s) that disrupt this residue have been determined to be pathogenic (PMID: 18076640, 32090326, 32581296). This suggests that this residue is clinically significant, and that variants that disrupt this residue are likely to be disease-causing. In summary, the currently available evidence indicates that the variant is pathogenic, but additional data are needed to prove that conclusively. Therefore, this variant has been classified as Likely Pathogenic.

Literature cited by the submitters: PubMed 18076640; PubMed 32090326; PubMed 32581296.